The following is an entry in ClinVar:

NM_015102.5(NPHP4):c.3817-12_3818del

Gene: NPHP4 (nephrocystin 4; minus strand). Cytogenetic location: 1p36.31.
Variant type: Deletion.
Coding change: c.3817-12_3818del on transcript NM_015102.5 (MANE Select); 12 bases into the intron before coding-DNA position 3817 through coding-DNA position 3818, 14 bases deleted (TCGCTCTTGAAGAC).
Molecular consequence: splice acceptor variant.
Genome position (GRCh38, 1-based): chr1:5,864,516-5,864,529, GTCTTCAAGAGCGA deleted on the plus strand (TCGCTCTTGAAGAC on the coding strand, the reverse complement: NPHP4 is on the minus strand); deleting any 14 consecutive bases within chr1:5,864,516-5,864,530 gives the same sequence; the c. name uses the placement nearest the transcript's 3' end. VCF-style (leftmost placement, unchanged base first): chr1-5864515-TGTCTTCAAGAGCGA-T. GRCh37 (hg19) VCF-style: chr1-5924575-TGTCTTCAAGAGCGA-T.
Other names: c.2281-12_2282del (NM_001291594.2); c.2278-12_2279del (NM_001291593.2).
Identifiers: ClinVar variation 3780041 (VCV003780041.2).

ClinVar aggregate classification (germline): Likely pathogenic. Review status: criteria provided, multiple submitters, no conflicts (2 of 4 stars). 2 submissions from 2 submitters: Likely pathogenic (2). Last evaluated 2026-01-13.

Conditions:
Nephronophthisis 4 (NPHP4). Also called: NEPHRONOPHTHISIS 4, JUVENILE. Identifiers: Orphanet 655, MedGen C1847013, MONDO:0011752, OMIM 606966.
Senior-Loken syndrome 4 (SLSN4). Identifiers: Orphanet 3156, MedGen C1846979, MONDO:0011756, OMIM 606996.
Nephronophthisis. Also called: Juvenile Nephronophthisis. Identifiers: Orphanet 655, MedGen C0687120, MONDO:0019005, HP:0000090.

Submissions (2):

Labcorp Genetics (formerly Invitae), Labcorp
Classification: Likely pathogenic for Nephronophthisis. Last evaluated: 2026-01-13. Review status: criteria provided, single submitter. Criteria: Invitae Variant Classification Sherloc (09022015). Collection method: clinical testing. Allele origin: germline.
Comment: This variant results in the deletion of part of exon 28 (c.3817-12_3818del) of the NPHP4 gene. It is expected to disrupt RNA splicing. Variants that disrupt the donor or acceptor splice site typically lead to a loss of protein function (PMID: 16199547), and loss-of-function variants in NPHP4 are known to be pathogenic (PMID: 12205563, 23559409). This variant is not present in population databases (gnomAD no frequency). This variant has not been reported in the literature in individuals affected with NPHP4-related conditions. ClinVar contains an entry for this variant (Variation ID: 3780041). In summary, the currently available evidence indicates that the variant is pathogenic, but additional data are needed to prove that conclusively. Therefore, this variant has been classified as Likely Pathogenic.

Department of Pathology and Laboratory Medicine, Sinai Health System
Classification: Likely pathogenic for Nephronophthisis 4; Senior-Loken syndrome 4. Last evaluated: 2022-05-19. Review status: criteria provided, single submitter. Criteria: ACMG Guidelines, 2015. Collection method: research. Allele origin: germline.

Literature cited by the submitters: PubMed 16199547 (cited by Labcorp Genetics (formerly Invitae), Labcorp); PubMed 12205563 (cited by Labcorp Genetics (formerly Invitae), Labcorp); PubMed 23559409 (cited by Labcorp Genetics (formerly Invitae), Labcorp).